The following is an entry in ClinVar:

ClinVar aggregate classification (germline): Uncertain significance. Review status: criteria provided, multiple submitters, no conflicts (2 of 4 stars). 2 submissions from 2 submitters: Uncertain significance (2). Last evaluated 2024-08-12.

Conditions:
Shprintzen-Goldberg syndrome (SGS). Also called: SHPRINTZEN-GOLDBERG CRANIOSYNOSTOSIS SYNDROME; CRANIOSYNOSTOSIS WITH ARACHNODACTYLY AND ABDOMINAL HERNIAS; Marfanoid disorder with craniosynostosis type 1; Marfanoid craniosynostosis syndrome; Shprintzen-Goldberg marfanoid syndrome. Identifiers: Orphanet 2462, MedGen C1321551, MONDO:0008426, OMIM 182212.

Allele frequency attached by ClinVar (database versions not stated): gnomAD 0.00001.
gnomAD v4.1: 4 of 1,522,078 alleles (0.00026%); highest among the groups gnomAD compares: Non-Finnish European, 0.00035%; no homozygotes.

Submissions (2):

Labcorp Genetics (formerly Invitae), Labcorp
Classification: Uncertain significance for Shprintzen-Goldberg syndrome. Last evaluated: 2024-08-12. Review status: criteria provided, single submitter. Criteria: Invitae Variant Classification Sherloc (09022015). Collection method: clinical testing. Allele origin: germline.
Comment: This sequence change replaces glutamic acid, which is acidic and polar, with aspartic acid, which is acidic and polar, at codon 725 of the SKI protein (p.Glu725Asp). This variant is not present in population databases (gnomAD no frequency). This variant has not been reported in the literature in individuals affected with SKI-related conditions. ClinVar contains an entry for this variant (Variation ID: 1326687). Advanced modeling of protein sequence and biophysical properties (such as structural, functional, and spatial information, amino acid conservation, physicochemical variation, residue mobility, and thermodynamic stability) performed at Invitae indicates that this missense variant is not expected to disrupt SKI protein function with a negative predictive value of 95%. In summary, the available evidence is currently insufficient to determine the role of this variant in disease. Therefore, it has been classified as a Variant of Uncertain Significance.

GeneDx
Classification: Uncertain significance. Last evaluated: 2021-05-24. Review status: criteria provided, single submitter. Criteria: GeneDx Variant Classification Process June 2021. Collection method: clinical testing. Allele origin: germline. Affected: yes.
Comment: Has not been previously published as pathogenic or benign to our knowledge; Not observed at significant frequency in large population cohorts (Lek et al., 2016); In silico analysis supports that this missense variant does not alter protein structure/function

NM_003036.4(SKI):c.2175G>C (p.Glu725Asp)

Gene: SKI (SKI proto-oncogene; plus strand). Cytogenetic location: 1p36.32.
Variant type: single nucleotide variant.
Coding change: c.2175G>C on transcript NM_003036.4 (MANE Select); coding-DNA position 2175, G replaced by C.
Protein change: p.Glu725Asp; replaces glutamic acid 725 with aspartic acid.
Molecular consequence: missense variant.
Genome position (GRCh38, 1-based): chr1:2,306,753, G>C. VCF-style: chr1-2306753-G-C. GRCh37 (hg19) VCF-style: chr1-2238192-G-C.
Other names: short protein forms E725D.
Identifiers: ClinVar variation 1326687 (VCV001326687.9), dbSNP rs1381348497, ClinGen allele CA337959903.
Genomic context (GRCh38, chr1:2,306,753, plus strand): 5'-GCAGGAACAGCTGTGGCCGCGGGCCCGCCCCGAGGCTGCGGGCAGCGAGGGCGCTGCGGA[G>C]CTGGAGCCGTAGATTCCGTGCCTGCCGCCGCAGCGCCGCCGACAACGCGGGTGCAGGGGG-3'
Protein context (NP_003027.1, residues 715-728): PEAAGSEGAA[Glu725Asp]LEP